The following is an entry in ClinVar:

NM_020738.4(KIDINS220):c.2401A>G (p.Ile801Val)

Gene: KIDINS220 (kinase D interacting substrate 220; minus strand). Cytogenetic location: 2p25.1.
Variant type: single nucleotide variant.
Coding change: c.2401A>G on transcript NM_020738.4 (MANE Select); coding-DNA position 2401, A replaced by G.
Protein change: p.Ile801Val; replaces isoleucine 801 with valine.
Molecular consequence: missense variant. On other transcripts: non-coding transcript variant (2).
Genome position (GRCh38, 1-based): chr2:8,779,109, T>C on the plus strand (A>G on the coding strand, the complement: KIDINS220 is on the minus strand). VCF-style: chr2-8779109-T-C. GRCh37 (hg19) VCF-style: chr2-8919239-T-C.
Other names: c.2404A>G, p.Ile802Val (NM_001348729.2, NM_001348731.2, NM_001348734.2 and 3 more transcripts); c.2401A>G, p.Ile801Val (NM_001348732.2, NM_001348735.2, NM_001348738.2 and 3 more transcripts); c.2275A>G, p.Ile759Val (NM_001348736.2); c.2401A>G (NM_020738.2); short protein forms I801V, I802V, I759V.
Identifiers: ClinVar variation 445959 (VCV000445959.3), dbSNP rs1468255671, ClinGen allele CA345760271.

ClinVar aggregate classification (germline): Uncertain significance. Review status: criteria provided, multiple submitters, no conflicts (2 of 4 stars). 2 submissions from 2 submitters: Uncertain significance (2). Last evaluated 2025-04-04.

Conditions:
KIDINS220-related disorder. Also called: KIDINS220-related condition.

Allele frequency attached by ClinVar (database versions not stated): gnomAD exomes below 0.00001; TOPMed 0.00001.
gnomAD v4.1: 6 of 1,613,810 alleles (0.00037%); highest among the groups gnomAD compares: Non-Finnish European, 0.00042%; no homozygotes.

Submissions (2):

PreventionGenetics, part of Exact Sciences
Classification: Uncertain significance for KIDINS220-related condition. Last evaluated: 2025-04-04. Review status: criteria provided, single submitter. Criteria: ACMG Guidelines, 2015. Collection method: clinical testing. Allele origin: germline.
Comment: The KIDINS220 c.2401A>G variant is predicted to result in the amino acid substitution p.Ile801Val. To our knowledge, this variant has not been reported in the literature or in a large population database (gnomAD), indicating this variant is rare. At this time, the clinical significance of this variant is uncertain due to the absence of conclusive functional and genetic evidence.

Center for Pediatric Genomic Medicine, Children's Mercy Hospital and Clinics
Classification: Uncertain significance. Last evaluated: 2017-06-02. Review status: criteria provided, single submitter. Criteria: ACMG Guidelines, 2015. Collection method: clinical testing. Allele origin: germline.